The following is an entry in ClinVar:

NM_001242896.3(DEPDC5):c.2773_2774del (p.Ile925fs)

Gene: DEPDC5 (DEP domain containing 5, GATOR1 subcomplex subunit; plus strand). Cytogenetic location: 22q12.3.
Variant type: Microsatellite.
Coding change: c.2773_2774del on transcript NM_001242896.3 (MANE Select); coding-DNA positions 2773 to 2774, 2 bases deleted (AT; older notation c.2773_2774delAT).
Protein change: p.Ile925fs; shifts the reading frame from isoleucine 925.
Molecular consequence: frameshift variant. On other transcripts: non-coding transcript variant (5).
Genome position (GRCh38, 1-based): chr22:31,843,784-31,843,785, AT deleted; deleting any 2 consecutive bases within chr22:31,843,781-31,843,785 gives the same sequence; the c. name uses the placement nearest the transcript's 3' end. VCF-style (leftmost placement, unchanged base first): chr22-31843780-GTA-G. GRCh37 (hg19) VCF-style: chr22-32239766-GTA-G.
Other names: c.2773_2774del, p.Ile925fs (NM_001363852.2, NM_001364318.2, NM_001364320.2); c.2539_2540del, p.Ile847fs (NM_001363854.2, NM_001364319.2, NM_001242897.2); c.2689_2690del, p.Ile897fs (NM_001369901.1, NM_001369902.1); c.2746_2747del, p.Ile916fs (NM_001369903.1, NM_014662.6, NM_001136029.4); short protein forms I847fs, I897fs, I916fs, I925fs.
Identifiers: ClinVar variation 3771798 (VCV003771798.13).

ClinVar aggregate classification (germline): Pathogenic (1 of 4 stars; one submission).

Submission:

CeGaT Center for Human Genetics Tuebingen
Classification: Pathogenic. Last evaluated: 2025-01-01. Review status: criteria provided, single submitter. Criteria: CeGaT Center For Human Genetics Tuebingen Variant Classification Criteria Version 2. Collection method: clinical testing. Allele origin: germline. Affected: yes. Observed: 2 variant alleles.
Comment: DEPDC5: PVS1, PM2